The following is an entry in ClinVar:

ClinVar aggregate classification (germline): Uncertain significance (1 of 4 stars; one submission).

Conditions:
Cardiovascular phenotype. Identifiers: MedGen CN230736.

Submission:

Ambry Genetics
Classification: Uncertain significance for Cardiovascular phenotype. Last evaluated: 2025-07-24. Review status: criteria provided, single submitter. Criteria: Ambry Variant Classification Scheme 2023. Collection method: clinical testing. Allele origin: germline.
Comment: The c.-4G>C variant is located in the 5' untranslated region (5&rsquo; UTR) of the LMNA gene. This variant results from a G to C substitution 4 nucleotides upstream from the first translated codon. This nucleotide position is not well conserved in available vertebrate species. Based on the available evidence, the clinical significance of this variant remains unclear.

NM_170707.4(LMNA):c.-4G>C

Gene: LMNA (lamin A/C; plus strand). Cytogenetic location: 1q22.
Variant type: single nucleotide variant.
Coding change: c.-4G>C on transcript NM_170707.4 (MANE Select); 4 bases upstream of the start codon, G replaced by C.
Molecular consequence: 5 prime UTR variant. On other transcripts: intron variant (2).
Genome position (GRCh38, 1-based): chr1:156,114,915, G>C. VCF-style: chr1-156114915-G-C. GRCh37 (hg19) VCF-style: chr1-156084706-G-C.
Other names: c.-4G>C (NM_001282625.2, NM_001282626.2, NM_001406983.1 and 6 more transcripts); c.-427G>C (NM_001406986.1); c.-405G>C (NM_001406990.1, NM_001406995.1, NM_001407002.1); c.-668G>C (NM_001406994.1, NM_001407000.1); c.-848G>C (NM_001406999.1); c.-511G>C (NM_001407001.1); c.-203+8092G>C (NM_001406993.1, NM_001407003.1).
Identifiers: ClinVar variation 4098585 (VCV004098585.1).